The following is an entry in ClinVar:

ClinVar aggregate classification (germline): Benign (1 of 4 stars; one submission).

Conditions:
Macular corneal dystrophy (MCD). Also called: GROENOUW TYPE II CORNEAL DYSTROPHY; Macular corneal dystrophy Type I. Identifiers: Orphanet 98969, MedGen C1636149, MONDO:0009020, OMIM 217800.

Allele frequency attached by ClinVar (database versions not stated): gnomAD 0.01256 and 0.01333; 1000 Genomes Project 0.01358; TOPMed 0.01483; 1000 Genomes Project 30x 0.01515.

Submission:

Illumina Laboratory Services, Illumina
Classification: Benign for Macular corneal dystrophy. Last evaluated: 2018-01-12. Review status: criteria provided, single submitter. Criteria: ICSL Variant Classification Criteria 13 December 2019. Collection method: clinical testing. Allele origin: germline.
Comment: This variant was observed in the ICSL laboratory as part of a predisposition screen in an ostensibly healthy population. It had not been previously curated by ICSL or reported in the Human Gene Mutation Database (HGMD: prior to June 1st, 2018), and was therefore a candidate for classification through an automated scoring system. Utilizing variant allele frequency, disease prevalence and penetrance estimates, and inheritance mode, an automated score was calculated to assess if this variant is too frequent to cause the disease. Based on the score and internal cut-off values, a variant classified as benign is not then subjected to further curation. The score for this variant resulted in a classification of benign for this disease.

NM_021615.5(CHST6):c.*5441C>T

Gene: CHST6 (carbohydrate sulfotransferase 6; minus strand). Cytogenetic location: 16q23.1.
Variant type: single nucleotide variant.
Coding change: c.*5441C>T on transcript NM_021615.5 (MANE Select); 5441 bases downstream of the stop codon, C replaced by T.
Molecular consequence: 3 prime UTR variant. On other transcripts: non-coding transcript variant (2).
Genome position (GRCh38, 1-based): chr16:75,473,200, G>A on the plus strand (C>T on the coding strand, the complement: CHST6 is on the minus strand). VCF-style: chr16-75473200-G-A. GRCh37 (hg19) VCF-style: chr16-75507098-G-A.
Identifiers: ClinVar variation 320506 (VCV000320506.5), dbSNP rs74742116, ClinGen allele CA10644239.